The following is an entry in ClinVar:

NM_018714.3(COG1):c.2681A>G (p.Asn894Ser)

Gene: COG1 (component of oligomeric golgi complex 1; plus strand). Cytogenetic location: 17q25.1.
Variant type: single nucleotide variant.
Coding change: c.2681A>G on transcript NM_018714.3 (MANE Select); coding-DNA position 2681, A replaced by G.
Protein change: p.Asn894Ser; replaces asparagine 894 with serine.
Molecular consequence: missense variant.
Genome position (GRCh38, 1-based): chr17:73,206,769, A>G. VCF-style: chr17-73206769-A-G. GRCh37 (hg19) VCF-style: chr17-71202908-A-G.
Other names: short protein forms N894S.
Identifiers: ClinVar variation 2196494 (VCV002196494.5), dbSNP rs1316888457, ClinGen allele CA400896796.
Genomic context (GRCh38, chr17:73,206,769, plus strand): 5'-TTCTGTTTGGATTGGTGACTGGTACAGAGAATCAGCTCGCCCCCCGGAGCAGTACGTTCA[A>G]CTCCCAAGAACCCCATAACATCCTGCCACTGGCATCCAGTCAGATCAGGTAAAGGCTGCC-3'
Protein context (NP_061184.1, residues 884-904): NQLAPRSSTF[Asn894Ser]SQEPHNILPL

ClinVar aggregate classification (germline): Uncertain significance. Review status: criteria provided, multiple submitters, no conflicts (2 of 4 stars). 2 submissions from 2 submitters: Uncertain significance (2). Last evaluated 2024-11-28.

Conditions:
COG1 congenital disorder of glycosylation (CDG2G). Also called: CDG IIg; CDGII/COG1 CEREBROCOSTOMANDIBULAR-LIKE SYNDROME; CONGENITAL DISORDER OF GLYCOSYLATION, TYPE IIg. Identifiers: Orphanet 263508, MedGen C2931011, MONDO:0012637, OMIM 611209.

Allele frequency attached by ClinVar (database versions not stated): gnomAD exomes 0.00001; TOPMed 0.00001.
gnomAD v4.1: 5 of 1,613,238 alleles (0.00031%); highest among the groups gnomAD compares: Admixed American, 0.005%; no homozygotes.

Submissions (2):

Laboratorio de Genetica e Diagnostico Molecular, Hospital Israelita Albert Einstein
Classification: Uncertain significance for COG1 congenital disorder of glycosylation. Last evaluated: 2024-11-28. Review status: criteria provided, single submitter. Criteria: ACMG Guidelines, 2015. Collection method: clinical testing. Allele origin: germline. Affected: yes.
Comment: ACMG classification criteria: PM2 supporting, BP4 supporting

Labcorp Genetics (formerly Invitae), Labcorp
Classification: Uncertain significance for COG1 congenital disorder of glycosylation. Last evaluated: 2022-04-10. Review status: criteria provided, single submitter. Criteria: Invitae Variant Classification Sherloc (09022015). Collection method: clinical testing. Allele origin: germline.
Comment: In summary, the available evidence is currently insufficient to determine the role of this variant in disease. Therefore, it has been classified as a Variant of Uncertain Significance. Algorithms developed to predict the effect of missense changes on protein structure and function output the following: SIFT: "Tolerated"; PolyPhen-2: "Benign"; Align-GVGD: "Class C0". The serine amino acid residue is found in multiple mammalian species, which suggests that this missense change does not adversely affect protein function. This variant has not been reported in the literature in individuals affected with COG1-related conditions. This variant is present in population databases (no rsID available, gnomAD 0.006%). This sequence change replaces asparagine, which is neutral and polar, with serine, which is neutral and polar, at codon 894 of the COG1 protein (p.Asn894Ser).